The following is an entry in ClinVar:

NM_013275.6(ANKRD11):c.4404A>G (p.Lys1468=)

Gene: ANKRD11 (ankyrin repeat domain 11; minus strand). Cytogenetic location: 16q24.3.
Variant type: single nucleotide variant.
Coding change: c.4404A>G on transcript NM_013275.6 (MANE Select); coding-DNA position 4404, A replaced by G.
Protein change: p.Lys1468=; no amino-acid change (lysine 1468 retained).
Molecular consequence: synonymous variant.
Genome position (GRCh38, 1-based): chr16:89,282,138, T>C on the plus strand (A>G on the coding strand, the complement: ANKRD11 is on the minus strand). VCF-style: chr16-89282138-T-C. GRCh37 (hg19) VCF-style: chr16-89348546-T-C.
Other names: c.4404A>G, p.Lys1468= (NM_001256182.2, NM_001256183.2).
Identifiers: ClinVar variation 1205380 (VCV001205380.33), dbSNP rs745469592, ClinGen allele CA8242128.

ClinVar aggregate classification (germline): Benign/Likely benign. Review status: criteria provided, multiple submitters, no conflicts (2 of 4 stars). 4 submissions from 4 submitters: Benign (1); Likely benign (3). Last evaluated 2025-12-27.

Conditions:
KBG syndrome (KBGS). Also called: ANKRD11-Related KBG Syndrome. Identifiers: Orphanet 2332, MedGen C0220687, MONDO:0007846, OMIM 148050.

Allele frequency attached by ClinVar (database versions not stated): gnomAD 0.00002; TOPMed 0.00002; gnomAD exomes 0.00008 and 0.00014; ExAC 0.00017.
gnomAD v4.1: 117 of 1,613,908 alleles (0.0072%); highest among the groups gnomAD compares: South Asian, 0.081%; no homozygotes.

Submissions (4):

Labcorp Genetics (formerly Invitae), Labcorp
Classification: Benign for KBG syndrome. Last evaluated: 2025-12-27. Review status: criteria provided, single submitter. Criteria: Invitae Variant Classification Sherloc (09022015). Collection method: clinical testing. Allele origin: germline.

Blueprint Genetics
Classification: Likely benign. Last evaluated: 2024-11-21. Review status: criteria provided, single submitter. Criteria: ACMG Guidelines, 2015. Collection method: clinical testing. Allele origin: germline.

CeGaT Center for Human Genetics Tuebingen
Classification: Likely benign. Last evaluated: 2023-08-01. Review status: criteria provided, single submitter. Criteria: CeGaT Center For Human Genetics Tuebingen Variant Classification Criteria Version 2. Collection method: clinical testing. Allele origin: germline. Affected: yes. Observed: 2 variant alleles.
Comment: ANKRD11: BP4, BP7

GeneDx
Classification: Likely benign. Last evaluated: 2020-12-17. Review status: criteria provided, single submitter. Criteria: GeneDx Variant Classification Process June 2021. Collection method: clinical testing. Allele origin: germline. Affected: yes.